The following is an entry in ClinVar:

ClinVar aggregate classification (germline): Uncertain significance (1 of 4 stars; one submission).

Allele frequency attached by ClinVar (database versions not stated): gnomAD exomes 0.00001; ExAC 0.00004; TOPMed below 0.00001.

Submission:

Labcorp Genetics (formerly Invitae), Labcorp
Classification: Uncertain significance. Last evaluated: 2025-10-17. Review status: criteria provided, single submitter. Criteria: Invitae Variant Classification Sherloc (09022015). Collection method: clinical testing. Allele origin: germline.
Comment: This sequence change replaces aspartic acid, which is acidic and polar, with histidine, which is basic and polar, at codon 397 of the DCHS1 protein (p.Asp397His). This variant is present in population databases (rs747893162, gnomAD 0.005%). This variant has not been reported in the literature in individuals affected with DCHS1-related conditions. ClinVar contains an entry for this variant (Variation ID: 1976463). Invitae Evidence Modeling of protein sequence and biophysical properties (such as structural, functional, and spatial information, amino acid conservation, physicochemical variation, residue mobility, and thermodynamic stability) indicates that this missense variant is not expected to disrupt DCHS1 protein function with a negative predictive value of 95%. In summary, the available evidence is currently insufficient to determine the role of this variant in disease. Therefore, it has been classified as a Variant of Uncertain Significance.

NM_003737.4(DCHS1):c.1189G>C (p.Asp397His)

Gene: DCHS1 (dachsous cadherin-related 1; minus strand). Cytogenetic location: 11p15.4.
Variant type: single nucleotide variant.
Coding change: c.1189G>C on transcript NM_003737.4 (MANE Select); coding-DNA position 1189, G replaced by C.
Protein change: p.Asp397His; replaces aspartic acid 397 with histidine.
Molecular consequence: missense variant.
Genome position (GRCh38, 1-based): chr11:6,640,425, C>G on the plus strand (G>C on the coding strand, the complement: DCHS1 is on the minus strand). VCF-style: chr11-6640425-C-G. GRCh37 (hg19) VCF-style: chr11-6661656-C-G.
Other names: short protein forms D397H.
Identifiers: ClinVar variation 1976463 (VCV001976463.5), dbSNP rs747893162, ClinGen allele CA5861009.
Genomic context (GRCh38, chr11:6,640,425, plus strand): 5'-GGGTGCTTAGGGCAAAGTGGCCCTCTCCACCTTCCAGGGACACATTGACATGGGCAAAGT[C>G]ACCATCATCTGGGTCTGACACAGAGATGCGAGCAACGAGCTGTCCAGGTGGGGCGGCCTC-3'
Protein context (NP_003728.1, residues 387-407): RISVSDPDDG[Asp397His]FAHVNVSLEG